The following is an entry in ClinVar:

NM_172107.4(KCNQ2):c.437G>A (p.Trp146Ter)

Gene: KCNQ2 (potassium voltage-gated channel subfamily Q member 2; minus strand). Cytogenetic location: 20q13.33.
Variant type: single nucleotide variant.
Coding change: c.437G>A on transcript NM_172107.4 (MANE Select); coding-DNA position 437, G replaced by A.
Protein change: p.Trp146Ter; replaces tryptophan 146 with a stop codon.
Molecular consequence: nonsense.
Genome position (GRCh38, 1-based): chr20:63,445,315, C>T on the plus strand (G>A on the coding strand, the complement: KCNQ2 is on the minus strand). VCF-style: chr20-63445315-C-T. GRCh37 (hg19) VCF-style: chr20-62076668-C-T.
Other names: c.437G>A, p.Trp146Ter (NM_001382235.1, NM_004518.6, NM_172106.3 and 2 more transcripts); short protein forms W146*.
Identifiers: ClinVar variation 1074100 (VCV001074100.3), dbSNP rs2145779397, ClinGen allele CA409655422.
Genomic context (GRCh38, chr20:63,445,315, plus strand): 5'-TTCCGGGCAAACTTGAGCCGCCCCCTCCAGCCACGGTACCGGCAGCAGCAGCCTGCGGCC[C>T]AGATCCGCACGAAGTACTCCACGCCAAACACCACGATAGTCACGATTTCCTGCAGGGGAG-3'

ClinVar aggregate classification (germline): Pathogenic (1 of 4 stars; one submission).

Conditions:
Developmental and epileptic encephalopathy. Identifiers: MedGen C5779964, MONDO:0100620.

Submission:

Labcorp Genetics (formerly Invitae), Labcorp
Classification: Pathogenic for Early-infantile DEE. Last evaluated: 2020-10-15. Review status: criteria provided, single submitter. Criteria: Invitae Variant Classification Sherloc (09022015). Collection method: clinical testing. Allele origin: germline.
Comment: This sequence change creates a premature translational stop signal (p.Trp146*) in the KCNQ2 gene. It is expected to result in an absent or disrupted protein product. Loss-of-function variants in KCNQ2 are known to be pathogenic (PMID: 14534157, 23692823, 27779742). This variant is not present in population databases (ExAC no frequency). This variant has not been reported in the literature in individuals with KCNQ2-related conditions. Algorithms developed to predict the effect of sequence changes on RNA splicing suggest that this variant may create or strengthen a splice site, but this prediction has not been confirmed by published transcriptional studies. For these reasons, this variant has been classified as Pathogenic.

Literature cited by the submitters: PubMed 14534157; PubMed 23692823; PubMed 27779742.